The following is an entry in ClinVar:

NM_017777.4(MKS1):c.1092A>G (p.Ala364=)

Gene: MKS1 (MKS transition zone complex subunit 1; minus strand). Cytogenetic location: 17q22.
Variant type: single nucleotide variant.
Coding change: c.1092A>G on transcript NM_017777.4 (MANE Select); coding-DNA position 1092, A replaced by G.
Protein change: p.Ala364=; no amino-acid change (alanine 364 retained).
Molecular consequence: synonymous variant.
Genome position (GRCh38, 1-based): chr17:58,208,516, T>C on the plus strand (A>G on the coding strand, the complement: MKS1 is on the minus strand). VCF-style: chr17-58208516-T-C. GRCh37 (hg19) VCF-style: chr17-56285877-T-C.
Other names: c.483A>G, p.Ala161= (NM_001321268.2); c.1092A>G, p.Ala364= (NM_001321269.2, NM_001330397.2, NM_001411113.1).
Identifiers: ClinVar variation 3354508 (VCV003354508.1).

ClinVar aggregate classification (germline): Likely benign (0 of 4 stars; one submission).

Conditions:
MKS1-related disorder. Also called: MKS1-related condition; MKS1-related disorders. Identifiers: MedGen CN239382.

Submission:

PreventionGenetics, part of Exact Sciences
Classification: Likely benign for MKS1-related condition. Last evaluated: 2022-08-18. Review status: no assertion criteria provided. Collection method: clinical testing. Allele origin: germline.
Comment: This variant is classified as likely benign based on ACMG/AMP sequence variant interpretation guidelines (Richards et al. 2015 PMID: 25741868, with internal and published modifications).